The following is an entry in ClinVar:

NM_004035.7(ACOX1):c.1453G>A (p.Glu485Lys)

Gene: ACOX1 (acyl-CoA oxidase 1; minus strand). Cytogenetic location: 17q25.1.
Variant type: single nucleotide variant.
Coding change: c.1453G>A on transcript NM_004035.7 (MANE Select); coding-DNA position 1453, G replaced by A.
Protein change: p.Glu485Lys; replaces glutamic acid 485 with lysine.
Molecular consequence: missense variant.
Genome position (GRCh38, 1-based): chr17:75,949,743, C>T on the plus strand (G>A on the coding strand, the complement: ACOX1 is on the minus strand). VCF-style: chr17-75949743-C-T. GRCh37 (hg19) VCF-style: chr17-73945824-C-T.
Other names: c.1339G>A, p.Glu447Lys (NM_001185039.2); c.1453G>A, p.Glu485Lys (NM_007292.6); short protein forms E447K, E485K.
Identifiers: ClinVar variation 2141801 (VCV002141801.3), dbSNP rs369533136, ClinGen allele CA8776771.
Genomic context (GRCh38, chr17:75,949,743, plus strand): 5'-CTGCTGCGTATTCTAGCTCTTGAGGGAGAGCTCACCTGGCTGCACGGAGTTTATATGCTT[C>T]GGTTAGGCTTTCGGGGCTGTTGATATCCACCATGGTTGGCCAGACTGCTACCTGCTGTGG-3'
Protein context (NP_004026.2, residues 475-495): VDINSPESLT[Glu485Lys]AYKLRAARLV

ClinVar aggregate classification (germline): Uncertain significance (1 of 4 stars; one submission).

Conditions:
Acyl-CoA oxidase deficiency. Also called: STRAIGHT-CHAIN ACYL-CoA OXIDASE DEFICIENCY; Pseudoneonatal adrenoleukodystrophy; Peroxisomal acyl-CoA oxidase deficiency. Identifiers: Orphanet 2971, MedGen C1849678, MONDO:0009919, OMIM 264470. Disease mechanism: loss of function.

Allele frequency attached by ClinVar (database versions not stated): gnomAD 0.00001; TOPMed 0.00001; ExAC 0.00002; ESP Exome Variant Server 0.00008.
gnomAD v4.1: 45 of 1,614,024 alleles (0.0028%); highest among the groups gnomAD compares: Middle Eastern, 0.033%; no homozygotes.

Submission:

Labcorp Genetics (formerly Invitae), Labcorp
Classification: Uncertain significance for Acyl-CoA oxidase deficiency. Last evaluated: 2024-10-26. Review status: criteria provided, single submitter. Criteria: Invitae Variant Classification Sherloc (09022015). Collection method: clinical testing. Allele origin: germline.
Comment: This sequence change replaces glutamic acid, which is acidic and polar, with lysine, which is basic and polar, at codon 485 of the ACOX1 protein (p.Glu485Lys). This variant is present in population databases (rs369533136, gnomAD 0.005%). This missense change has been observed in individual(s) with clinical features of ACOX1-related conditions (PMID: 31130284). This variant is also known as c.1339G>A (p.Glu447Lys). ClinVar contains an entry for this variant (Variation ID: 2141801). Invitae Evidence Modeling of protein sequence and biophysical properties (such as structural, functional, and spatial information, amino acid conservation, physicochemical variation, residue mobility, and thermodynamic stability) indicates that this missense variant is not expected to disrupt ACOX1 protein function with a negative predictive value of 80%. In summary, the available evidence is currently insufficient to determine the role of this variant in disease. Therefore, it has been classified as a Variant of Uncertain Significance.

Literature cited by the submitters: PubMed 31130284.